The following is an entry in ClinVar:

NM_005732.4(RAD50):c.3883C>T (p.Gln1295Ter)

Genes: TH2LCRR (T helper type 2 locus control region associated RNA; minus strand), RAD50 (RAD50 double strand break repair protein; plus strand). Cytogenetic location: 5q31.1.
Variant type: single nucleotide variant.
Coding change: c.3883C>T on transcript NM_005732.4 (MANE Select); coding-DNA position 3883, C replaced by T.
Protein change: p.Gln1295Ter; replaces glutamine 1295 with a stop codon.
Molecular consequence: nonsense.
Genome position (GRCh38, 1-based): chr5:132,642,308, C>T. VCF-style: chr5-132642308-C-T. GRCh37 (hg19) VCF-style: chr5-131978000-C-T.
Other names: short protein forms Q1295*.
Identifiers: ClinVar variation 824335 (VCV000824335.10), dbSNP rs1330031894, ClinGen allele CA360937208.

ClinVar aggregate classification (germline): Uncertain significance. Review status: criteria provided, multiple submitters, no conflicts (2 of 4 stars). 2 submissions from 2 submitters: Uncertain significance (2). Last evaluated 2023-05-04.

Conditions:
Hereditary cancer-predisposing syndrome. Also called: Neoplastic Syndromes, Hereditary; Tumor predisposition; Hereditary neoplastic syndrome; Hereditary Cancer Syndrome. Identifiers: Orphanet 140162, MedGen C0027672, MeSH D009386, MONDO:0015356.

Allele frequency attached by ClinVar (database versions not stated): gnomAD exomes below 0.00001.
gnomAD v4.1: 2 of 1,614,028 alleles (0.00012%); highest among the groups gnomAD compares: East Asian, 0.0045%; no homozygotes.

Submissions (2):

Labcorp Genetics (formerly Invitae), Labcorp
Classification: Uncertain significance for Hereditary cancer-predisposing syndrome. Last evaluated: 2023-05-04. Review status: criteria provided, single submitter. Criteria: Invitae Variant Classification Sherloc (09022015). Collection method: clinical testing. Allele origin: germline.
Comment: This sequence change creates a premature translational stop signal (p.Gln1295*) in the RAD50 gene. While this is not anticipated to result in nonsense mediated decay, it is expected to disrupt the last 18 amino acid(s) of the RAD50 protein. In summary, the available evidence is currently insufficient to determine the role of this variant in disease. Therefore, it has been classified as a Variant of Uncertain Significance. Experimental studies and prediction algorithms are not available or were not evaluated, and the functional significance of this variant is currently unknown. ClinVar contains an entry for this variant (Variation ID: 824335). This variant has not been reported in the literature in individuals affected with RAD50-related conditions. This variant is present in population databases (no rsID available, gnomAD 0.006%).

Ambry Genetics
Classification: Uncertain significance for Hereditary cancer-predisposing syndrome. Last evaluated: 2020-09-17. Review status: criteria provided, single submitter. Criteria: Ambry Variant Classification Scheme 2023. Collection method: clinical testing. Allele origin: germline.
Comment: The p.Q1295* variant (also known as c.3883C>T), located in coding exon 25 of the RAD50 gene, results from a C to T substitution at nucleotide position 3883. This changes the amino acid from a glutamine to a stop codon within coding exon 25. This alteration occurs at the 3' terminus of theRAD50 gene, is not expected to trigger nonsense-mediated mRNAdecay, and only impacts the last 18 amino acids of the protein. The exact functional effect of this alteration is unknown. Since supporting evidence is limited at this time, the clinical significance of this alteration remains unclear.